The following is an entry in ClinVar:

ClinVar aggregate classification (germline): Pathogenic (1 of 4 stars; one submission).

Conditions:
Charcot-Marie-Tooth disease type 4A. Also called: Charcot-Marie-Tooth disease, demyelinating, autosomal recessive, type 4a. Identifiers: Orphanet 99948, MedGen C1859198, MONDO:0008961, OMIM 214400.

Submission:

Labcorp Genetics (formerly Invitae), Labcorp
Classification: Pathogenic for Charcot-Marie-Tooth disease type 4A. Last evaluated: 2026-01-01. Review status: criteria provided, single submitter. Criteria: Invitae Variant Classification Sherloc (09022015). Collection method: clinical testing. Allele origin: germline.
Comment: This sequence change creates a premature translational stop signal (p.Glu213*) in the GDAP1 gene. It is expected to result in an absent or disrupted protein product. Loss-of-function variants in GDAP1 are known to be pathogenic (PMID: 11743580). This variant is not present in population databases (gnomAD no frequency). This variant has not been reported in the literature in individuals affected with GDAP1-related conditions. For these reasons, this variant has been classified as Pathogenic.

Literature cited by the submitters: PubMed 11743580.

NM_018972.4(GDAP1):c.637G>T (p.Glu213Ter)

Gene: GDAP1 (ganglioside induced differentiation associated protein 1; plus strand). Cytogenetic location: 8q21.11.
Variant type: single nucleotide variant.
Coding change: c.637G>T on transcript NM_018972.4 (MANE Select); coding-DNA position 637, G replaced by T.
Protein change: p.Glu213Ter; replaces glutamic acid 213 with a stop codon.
Molecular consequence: nonsense.
Genome position (GRCh38, 1-based): chr8:74,362,996, G>T. VCF-style: chr8-74362996-G-T. GRCh37 (hg19) VCF-style: chr8-75275231-G-T.
Other names: c.433G>T, p.Glu145Ter (NM_001040875.4); c.310G>T, p.Glu104Ter (NM_001362929.2, NM_001362932.2); c.463G>T, p.Glu155Ter (NM_001362930.2); c.637G>T, p.Glu213Ter (NM_001362931.2); short protein forms E155*, E104*, E145*, E213*.
Identifiers: ClinVar variation 4733787 (VCV004733787.1).